The following is an entry in ClinVar:

ClinVar aggregate classification (germline): Likely benign (1 of 4 stars; one submission).

Submission:

Center for Genomic Medicine, Rigshospitalet, Copenhagen University Hospital
Classification: Likely benign. Last evaluated: 2025-03-04. Review status: criteria provided, single submitter. Criteria: ACMG Guidelines, 2015. Collection method: clinical testing. Allele origin: germline.
Comment: Classification criteria: BP1_Strong

NM_007294.4(BRCA1):c.3372C>G (p.Phe1124Leu)

Genes: BRCA1 (BRCA1 DNA repair associated; minus strand), LOC126862571 (BRD4-independent group 4 enhancer GRCh37_chr17:41243136-41244335; plus strand). Cytogenetic location: 17q21.31.
Variant type: single nucleotide variant.
Coding change: c.3372C>G on transcript NM_007294.4 (MANE Select); coding-DNA position 3372, C replaced by G.
Protein change: p.Phe1124Leu; replaces phenylalanine 1124 with leucine.
Molecular consequence: missense variant. On other transcripts: intron variant (137).
Genome position (GRCh38, 1-based): chr17:43,092,159, G>C on the plus strand (C>G on the coding strand, the complement: BRCA1 is on the minus strand). VCF-style: chr17-43092159-G-C. GRCh37 (hg19) VCF-style: chr17-41244176-G-C.
Other names: c.3159C>G, p.Phe1053Leu (NM_001407571.1, NM_001407853.1, NM_001407894.1 and 9 more transcripts); c.3372C>G, p.Phe1124Leu (NM_001407581.1, NM_001407582.1, NM_001407583.1 and 30 more transcripts); c.3369C>G, p.Phe1123Leu (NM_001407587.1, NM_001407590.1, NM_001407591.1 and 22 more transcripts); c.3363C>G, p.Phe1121Leu (NM_001407646.1, NM_001407647.1); c.3249C>G, p.Phe1083Leu (NM_001407648.1, NM_001407664.1, NM_001407665.1 and 19 more transcripts); c.3246C>G, p.Phe1082Leu (NM_001407649.1, NM_001407670.1, NM_001407671.1 and 11 more transcripts); c.3294C>G, p.Phe1098Leu (NM_001407653.1, NM_001407654.1, NM_001407655.1 and 4 more transcripts); c.3291C>G, p.Phe1097Leu (NM_001407659.1, NM_001407660.1, NM_001407661.1 and 1 more transcripts); and 41 more; short protein forms F1012L, F1013L, F1035L, F1036L, F1053L, F1054L, F1056L, F1057L.
Identifiers: ClinVar variation 3765081 (VCV003765081.1).
Genomic context (GRCh38, chr17:43,092,159, plus strand): 5'-CTGAGATGCATGACTACTTCCCATAGGCTGTTCTAAGTTATCTGAAATCAGATATGGAGA[G>C]AAATCTGTATTAACAGTCTGAACTACTTCTTCATATTCTTGCTTTTTTATTTCAGGATGC-3'
Protein context (NP_009225.1, residues 1114-1134): EEVVQTVNTD[Phe1124Leu]SPYLISDNLE